The following is an entry in ClinVar:

NM_020461.4(TUBGCP6):c.3242G>A (p.Gly1081Glu)

Gene: TUBGCP6 (tubulin gamma complex component 6; minus strand). Cytogenetic location: 22q13.33.
Variant type: single nucleotide variant.
Coding change: c.3242G>A on transcript NM_020461.4 (MANE Select); coding-DNA position 3242, G replaced by A.
Protein change: p.Gly1081Glu; replaces glycine 1081 with glutamic acid.
Molecular consequence: missense variant.
Genome position (GRCh38, 1-based): chr22:50,221,117, C>T on the plus strand (G>A on the coding strand, the complement: TUBGCP6 is on the minus strand). VCF-style: chr22-50221117-C-T. GRCh37 (hg19) VCF-style: chr22-50659546-C-T.
Other names: short protein forms G1081E.
Identifiers: ClinVar variation 1398916 (VCV001398916.6), dbSNP rs2147179108, ClinGen allele CA412184157.

ClinVar aggregate classification (germline): Uncertain significance (1 of 4 stars; one submission).

Allele frequency attached by ClinVar (database versions not stated): gnomAD exomes below 0.00001.

Submission:

Labcorp Genetics (formerly Invitae), Labcorp
Classification: Uncertain significance. Last evaluated: 2025-04-16. Review status: criteria provided, single submitter. Criteria: Invitae Variant Classification Sherloc (09022015). Collection method: clinical testing. Allele origin: germline.
Comment: This sequence change replaces glycine, which is neutral and non-polar, with glutamic acid, which is acidic and polar, at codon 1081 of the TUBGCP6 protein (p.Gly1081Glu). This variant is not present in population databases (gnomAD no frequency). This variant has not been reported in the literature in individuals affected with TUBGCP6-related conditions. ClinVar contains an entry for this variant (Variation ID: 1398916). An algorithm developed to predict the effect of missense changes on protein structure and function (PolyPhen-2) suggests that this variant is likely to be disruptive. In summary, the available evidence is currently insufficient to determine the role of this variant in disease. Therefore, it has been classified as a Variant of Uncertain Significance.